The following is an entry in ClinVar:

NM_001918.5(DBT):c.45G>T (p.Gly15=)

Gene: DBT (dihydrolipoamide branched chain transacylase E2; minus strand). Cytogenetic location: 1p21.2.
Variant type: single nucleotide variant.
Coding change: c.45G>T on transcript NM_001918.5 (MANE Select); coding-DNA position 45, G replaced by T.
Protein change: p.Gly15=; no amino-acid change (glycine 15 retained).
Molecular consequence: synonymous variant. On other transcripts: 5 prime UTR variant (2), non-coding transcript variant (4).
Genome position (GRCh38, 1-based): chr1:100,249,776, C>A on the plus strand (G>T on the coding strand, the complement: DBT is on the minus strand). VCF-style: chr1-100249776-C-A. GRCh37 (hg19) VCF-style: chr1-100715332-C-A.
Other names: c.-686G>T (NM_001399969.1); c.-559G>T (NM_001399972.1).
Identifiers: ClinVar variation 2955105 (VCV002955105.3), dbSNP rs1664806415, ClinGen allele CA419106594.

ClinVar aggregate classification (germline): Uncertain significance (1 of 4 stars; one submission).

Conditions:
Maple syrup urine disease (MSUD). Identifiers: Orphanet 511, MedGen C0024776, MeSH D008375, MONDO:0009563. Disease mechanism: loss of function.

Allele frequency attached by ClinVar (database versions not stated): TOPMed below 0.00001.

Submission:

Labcorp Genetics (formerly Invitae), Labcorp
Classification: Uncertain significance for Maple syrup urine disease. Last evaluated: 2022-11-10. Review status: criteria provided, single submitter. Criteria: Invitae Variant Classification Sherloc (09022015). Collection method: clinical testing. Allele origin: germline.
Comment: This variant is not present in population databases (gnomAD no frequency). This sequence change affects codon 15 of the DBT mRNA. It is a 'silent' change, meaning that it does not change the encoded amino acid sequence of the DBT protein. This variant has not been reported in the literature in individuals affected with DBT-related conditions. Algorithms developed to predict the effect of sequence changes on RNA splicing suggest that this variant may create or strengthen a splice site. In summary, the available evidence is currently insufficient to determine the role of this variant in disease. Therefore, it has been classified as a Variant of Uncertain Significance.